The following is an entry in ClinVar:

ClinVar aggregate classification (germline): Uncertain significance (1 of 4 stars; one submission).

Submission:

GeneDx
Classification: Uncertain significance. Last evaluated: 2025-05-20. Review status: criteria provided, single submitter. Criteria: GeneDx Variant Classification Process June 2021. Collection method: clinical testing. Allele origin: germline. Affected: yes.
Comment: In silico analysis supports that this missense variant has a deleterious effect on protein structure/function; This variant is associated with the following publications: (PMID: 38031187)

NM_018245.3(OGDHL):c.1334C>T (p.Ser445Leu)

Gene: OGDHL (oxoglutarate dehydrogenase L; minus strand). Cytogenetic location: 10q11.23.
Variant type: single nucleotide variant.
Coding change: c.1334C>T on transcript NM_018245.3 (MANE Select); coding-DNA position 1334, C replaced by T.
Protein change: p.Ser445Leu; replaces serine 445 with leucine.
Molecular consequence: missense variant. On other transcripts: non-coding transcript variant (5), intron variant (4).
Genome position (GRCh38, 1-based): chr10:49,745,940, G>A on the plus strand (C>T on the coding strand, the complement: OGDHL is on the minus strand). VCF-style: chr10-49745940-G-A. GRCh37 (hg19) VCF-style: chr10-50953986-G-A.
Other names: c.1163C>T, p.Ser388Leu (NM_001143996.2, NM_001347820.1); c.707C>T, p.Ser236Leu (NM_001143997.2, NM_001347821.2, NM_001347822.1); c.1334C>T, p.Ser445Leu (NM_001347819.1); c.280-444C>T (NM_001347826.1); c.1297-444C>T (NM_001347823.1, NM_001347824.2); c.670-444C>T (NM_001347825.2); short protein forms S236L, S388L, S445L.
Identifiers: ClinVar variation 4530803 (VCV004530803.1).